The following is an entry in ClinVar:

NM_000399.5(EGR2):c.779C>A (p.Pro260His)

Gene: EGR2 (early growth response 2; minus strand). Cytogenetic location: 10q21.3.
Variant type: single nucleotide variant.
Coding change: c.779C>A on transcript NM_000399.5 (MANE Select); coding-DNA position 779, C replaced by A.
Protein change: p.Pro260His; replaces proline 260 with histidine.
Molecular consequence: missense variant.
Genome position (GRCh38, 1-based): chr10:62,813,859, G>T on the plus strand (C>A on the coding strand, the complement: EGR2 is on the minus strand). VCF-style: chr10-62813859-G-T. GRCh37 (hg19) VCF-style: chr10-64573619-G-T.
Other names: c.779C>A, p.Pro260His (NM_001136177.3, NM_001136178.2); c.629C>A, p.Pro210His (NM_001136179.3, NM_001321037.2); short protein forms P210H, P260H.
Identifiers: ClinVar variation 1468357 (VCV001468357.8), dbSNP rs1842187873, ClinGen allele CA377028860.
Genomic context (GRCh38, chr10:62,813,859, plus strand): 5'-ACCCCAGCACTGGGGCCCCCCAGGGTAAAGTTACGGATTGTAGAGAGTGGAGTGAGTGGA[G>T]GGGGCACCCGCAGGGTGTCCAGTGGGCAGGGAAAGGGCTTACGGTCTGGGCCAGCTGTAC-3'
Protein context (NP_000390.2, residues 250-270): PCPLDTLRVP[Pro260His]PLTPLSTIRN

ClinVar aggregate classification (germline): Uncertain significance (1 of 4 stars; one submission).

Conditions:
Charcot-Marie-Tooth disease, type I (CMT1). Also called: Charcot-Marie-Tooth disease type 1; Charcot-Marie-Tooth, Type 1. Identifiers: Orphanet 65753, MedGen C0751036, MONDO:0019011.

Submission:

Labcorp Genetics (formerly Invitae), Labcorp
Classification: Uncertain significance for Charcot-Marie-Tooth disease, type I. Last evaluated: 2021-06-21. Review status: criteria provided, single submitter. Criteria: Invitae Variant Classification Sherloc (09022015). Collection method: clinical testing. Allele origin: germline.
Comment: This sequence change replaces proline with histidine at codon 260 of the EGR2 protein (p.Pro260His). The proline residue is highly conserved and there is a moderate physicochemical difference between proline and histidine. In summary, the available evidence is currently insufficient to determine the role of this variant in disease. Therefore, it has been classified as a Variant of Uncertain Significance. Algorithms developed to predict the effect of missense changes on protein structure and function are either unavailable or do not agree on the potential impact of this missense change (SIFT: "Not Available"; PolyPhen-2: "Probably Damaging"; Align-GVGD: "Not Available"). This variant has not been reported in the literature in individuals with EGR2-related conditions. This variant is not present in population databases (ExAC no frequency).